The following is an entry in ClinVar:

ClinVar aggregate classification (germline): Uncertain significance (1 of 4 stars; one submission).

Conditions:
Pigmentary pallidal degeneration (NBIA1). Also called: Neuroaxonal dystrophy, late infantile; Hallervorden-Spatz disease; HARP SYNDROME; Neurodegeneration with brain iron accumulation 1; PKAN NEUROAXONAL DYSTROPHY, JUVENILE-ONSET; Pantothenate Kinase-Associated Neurodegeneration. Identifiers: Orphanet 157850, MedGen C0018523, MONDO:0009319, OMIM 234200.

Submission:

Labcorp Genetics (formerly Invitae), Labcorp
Classification: Uncertain significance for Pigmentary pallidal degeneration. Last evaluated: 2025-01-06. Review status: criteria provided, single submitter. Criteria: Invitae Variant Classification Sherloc (09022015). Collection method: clinical testing. Allele origin: germline.
Comment: This sequence change replaces aspartic acid, which is acidic and polar, with tyrosine, which is neutral and polar, at codon 539 of the PANK2 protein (p.Asp539Tyr). This variant is not present in population databases (gnomAD no frequency). This variant has not been reported in the literature in individuals affected with PANK2-related conditions. ClinVar contains an entry for this variant (Variation ID: 2122255). Invitae Evidence Modeling of protein sequence and biophysical properties (such as structural, functional, and spatial information, amino acid conservation, physicochemical variation, residue mobility, and thermodynamic stability) indicates that this missense variant is expected to disrupt PANK2 protein function with a positive predictive value of 95%. In summary, the available evidence is currently insufficient to determine the role of this variant in disease. Therefore, it has been classified as a Variant of Uncertain Significance.

NM_001386393.1(PANK2):c.1285G>T (p.Asp429Tyr)

Gene: PANK2 (pantothenate kinase 2; plus strand). Cytogenetic location: 20p13.
Variant type: single nucleotide variant.
Coding change: c.1285G>T on transcript NM_001386393.1 (MANE Select); coding-DNA position 1285, G replaced by T.
Protein change: p.Asp429Tyr; replaces aspartic acid 429 with tyrosine.
Molecular consequence: missense variant. On other transcripts: non-coding transcript variant (1).
Genome position (GRCh38, 1-based): chr20:3,918,749, G>T. VCF-style: chr20-3918749-G-T. GRCh37 (hg19) VCF-style: chr20-3899396-G-T.
Other names: c.742G>T, p.Asp248Tyr (NM_001324191.2, NM_024960.6, NM_153640.4); c.307G>T, p.Asp103Tyr (NM_001324193.2); c.1615G>T, p.Asp539Tyr (NM_153638.4); short protein forms D429Y, D539Y, D103Y, D248Y.
Identifiers: ClinVar variation 2122255 (VCV002122255.4), dbSNP rs2515528825, ClinGen allele CA408120617.